The following is an entry in ClinVar:

NM_001271938.2(MEGF8):c.3281C>T (p.Thr1094Met)

Gene: MEGF8 (multiple EGF like domains 8; plus strand). Cytogenetic location: 19q13.2.
Variant type: single nucleotide variant.
Coding change: c.3281C>T on transcript NM_001271938.2 (MANE Select); coding-DNA position 3281, C replaced by T.
Protein change: p.Thr1094Met; replaces threonine 1094 with methionine.
Molecular consequence: missense variant.
Genome position (GRCh38, 1-based): chr19:42,352,387, C>T. VCF-style: chr19-42352387-C-T. GRCh37 (hg19) VCF-style: chr19-42856539-C-T.
Other names: c.3080C>T, p.Thr1027Met (NM_001410.3); short protein forms T1027M, T1094M.
Identifiers: ClinVar variation 2198622 (VCV002198622.4), dbSNP rs772535224, ClinGen allele CA9474945.

ClinVar aggregate classification (germline): Uncertain significance (1 of 4 stars; one submission).

Conditions:
MEGF8-related Carpenter syndrome. Also called: Carpenter syndrome 2. Identifiers: Orphanet 65759, MedGen C3554247, MONDO:0013998, OMIM 614976.

Allele frequency attached by ClinVar (database versions not stated): TOPMed 0.00002; gnomAD exomes 0.00003; ExAC 0.00024.
gnomAD v4.1: 36 of 1,593,704 alleles (0.0023%); highest among the groups gnomAD compares: Non-Finnish European, 0.0028%; no homozygotes.

Submission:

Labcorp Genetics (formerly Invitae), Labcorp
Classification: Uncertain significance for MEGF8-related Carpenter syndrome. Last evaluated: 2025-03-24. Review status: criteria provided, single submitter. Criteria: Invitae Variant Classification Sherloc (09022015). Collection method: clinical testing. Allele origin: germline.
Comment: This sequence change replaces threonine, which is neutral and polar, with methionine, which is neutral and non-polar, at codon 1027 of the MEGF8 protein (p.Thr1027Met). This variant is present in population databases (rs772535224, gnomAD 0.01%). This variant has not been reported in the literature in individuals affected with MEGF8-related conditions. ClinVar contains an entry for this variant (Variation ID: 2198622). An algorithm developed to predict the effect of missense changes on protein structure and function (PolyPhen-2) suggests that this variant is likely to be disruptive. In summary, the available evidence is currently insufficient to determine the role of this variant in disease. Therefore, it has been classified as a Variant of Uncertain Significance.